The following is an entry in ClinVar:

NM_020117.11(LARS1):c.593A>C (p.Lys198Thr)

Gene: LARS1 (leucyl-tRNA synthetase 1; minus strand). Cytogenetic location: 5q32.
Variant type: single nucleotide variant.
Coding change: c.593A>C on transcript NM_020117.11 (MANE Select); coding-DNA position 593, A replaced by C.
Protein change: p.Lys198Thr; replaces lysine 198 with threonine.
Molecular consequence: missense variant.
Genome position (GRCh38, 1-based): chr5:146,164,311, T>G on the plus strand (A>C on the coding strand, the complement: LARS1 is on the minus strand). VCF-style: chr5-146164311-T-G. GRCh37 (hg19) VCF-style: chr5-145543874-T-G.
Other names: c.455A>C, p.Lys152Thr (NM_001317964.2); c.431A>C, p.Lys144Thr (NM_001317965.2); c.512A>C, p.Lys171Thr (NM_016460.4); short protein forms K144T, K152T, K171T, K198T.
Identifiers: ClinVar variation 3361401 (VCV003361401.2).

ClinVar aggregate classification (germline): Uncertain significance (1 of 4 stars; one submission).

gnomAD v4.1: 2 of 1,613,682 alleles (0.00012%); highest among the groups gnomAD compares: Middle Eastern, 0.033%; no homozygotes.

Submission:

GeneDx
Classification: Uncertain significance. Last evaluated: 2026-03-12. Review status: criteria provided, single submitter. Criteria: GeneDx Variant Classification Process June 2021. Collection method: clinical testing. Allele origin: germline.
Comment: Not observed at significant frequency in large population cohorts (gnomAD); In silico analysis supports that this missense variant has a deleterious effect on protein structure/function; Has not been previously published as pathogenic or benign to our knowledge; In silico analysis suggests this variant may impact gene splicing. In the absence of RNA/functional studies, the actual effect of this sequence change is unknown.